The following is an entry in ClinVar:

NM_000094.4(COL7A1):c.2126T>C (p.Val709Ala)

Gene: COL7A1 (collagen type VII alpha 1 chain; minus strand). Cytogenetic location: 3p21.31.
Variant type: single nucleotide variant.
Coding change: c.2126T>C on transcript NM_000094.4 (MANE Select); coding-DNA position 2126, T replaced by C.
Protein change: p.Val709Ala; replaces valine 709 with alanine.
Molecular consequence: missense variant.
Genome position (GRCh38, 1-based): chr3:48,589,643, A>G on the plus strand (T>C on the coding strand, the complement: COL7A1 is on the minus strand). VCF-style: chr3-48589643-A-G. GRCh37 (hg19) VCF-style: chr3-48627076-A-G.
Other names: short protein forms V709A.
Identifiers: ClinVar variation 1929648 (VCV001929648.5), dbSNP rs1481415391, ClinGen allele CA352725376.

ClinVar aggregate classification (germline): Pathogenic (1 of 4 stars; one submission).

Allele frequency attached by ClinVar (database versions not stated): gnomAD 0.00001; gnomAD exomes 0.00001.
gnomAD v4.1: 11 of 1,613,778 alleles (0.00068%); highest among the groups gnomAD compares: Non-Finnish European, 0.00093%; no homozygotes.

Submission:

Labcorp Genetics (formerly Invitae), Labcorp
Classification: Pathogenic. Last evaluated: 2023-02-25. Review status: criteria provided, single submitter. Criteria: Invitae Variant Classification Sherloc (09022015). Collection method: clinical testing. Allele origin: germline.
Comment: For these reasons, this variant has been classified as Pathogenic. Advanced modeling of protein sequence and biophysical properties (such as structural, functional, and spatial information, amino acid conservation, physicochemical variation, residue mobility, and thermodynamic stability) performed at Invitae indicates that this missense variant is not expected to disrupt COL7A1 protein function. ClinVar contains an entry for this variant (Variation ID: 1929648). This missense change has been observed in individual(s) with autosomal recessive dystrophic epidermolysis bullosa (PMID: 24947307). It has also been observed to segregate with disease in related individuals. This variant is present in population databases (no rsID available, gnomAD 0.007%). This sequence change replaces valine, which is neutral and non-polar, with alanine, which is neutral and non-polar, at codon 709 of the COL7A1 protein (p.Val709Ala).

Literature cited by the submitters: PubMed 24947307.